The following is an entry in ClinVar:

ClinVar aggregate classification (germline): Uncertain significance (1 of 4 stars; one submission).

Submission:

GeneDx
Classification: Uncertain significance. Last evaluated: 2019-11-07. Review status: criteria provided, single submitter. Criteria: GeneDx Variant Classification Process June 2021. Collection method: clinical testing. Allele origin: germline. Affected: yes.
Comment: Not observed in large population cohorts (Lek et al., 2016); In silico analysis, which includes protein predictors and evolutionary conservation, supports a deleterious effect; Has not been previously published as pathogenic or benign to our knowledge

NM_000165.5(GJA1):c.586G>C (p.Val196Leu)

Gene: GJA1 (gap junction protein alpha 1; plus strand). Cytogenetic location: 6q22.31.
Variant type: single nucleotide variant.
Coding change: c.586G>C on transcript NM_000165.5 (MANE Select); coding-DNA position 586, G replaced by C.
Protein change: p.Val196Leu; replaces valine 196 with leucine.
Molecular consequence: missense variant.
Genome position (GRCh38, 1-based): chr6:121,447,433, G>C. VCF-style: chr6-121447433-G-C. GRCh37 (hg19) VCF-style: chr6-121768579-G-C.
Other names: short protein forms V196L.
Identifiers: ClinVar variation 1309710 (VCV001309710.2), dbSNP rs1421231918, ClinGen allele CA365559345.